The following is an entry in ClinVar:

ClinVar aggregate classification (germline): Uncertain significance (1 of 4 stars; one submission).

Submission:

Labcorp Genetics (formerly Invitae), Labcorp
Classification: Uncertain significance. Last evaluated: 2022-05-14. Review status: criteria provided, single submitter. Criteria: Invitae Variant Classification Sherloc (09022015). Collection method: clinical testing. Allele origin: germline.
Comment: In summary, the available evidence is currently insufficient to determine the role of this variant in disease. Therefore, it has been classified as a Variant of Uncertain Significance. Variants that disrupt the consensus splice site are a relatively common cause of aberrant splicing (PMID: 17576681, 9536098). Algorithms developed to predict the effect of sequence changes on RNA splicing suggest that this variant is not likely to affect RNA splicing. This variant has not been reported in the literature in individuals affected with HPS4-related conditions. This variant is present in population databases (no rsID available, gnomAD 0.0009%). This sequence change falls in intron 10 of the HPS4 gene. It does not directly change the encoded amino acid sequence of the HPS4 protein. It affects a nucleotide within the consensus splice site.

Literature cited by the submitters: PubMed 17576681; PubMed 9536098.

NM_022081.6(HPS4):c.803+4A>C

Gene: HPS4 (HPS4 biogenesis of lysosomal organelles complex 3 subunit 2; minus strand). Cytogenetic location: 22q12.1.
Variant type: single nucleotide variant.
Coding change: c.803+4A>C on transcript NM_022081.6 (MANE Select); 4 bases into the intron after coding-DNA position 803, A replaced by C.
Molecular consequence: intron variant.
Genome position (GRCh38, 1-based): chr22:26,465,451, T>G on the plus strand (A>C on the coding strand, the complement: HPS4 is on the minus strand). VCF-style: chr22-26465451-T-G. GRCh37 (hg19) VCF-style: chr22-26861417-T-G.
Other names: c.803+4A>C (NM_001349905.1, NM_001349904.2, NM_001349902.1 and 4 more transcripts); c.857+4A>C (NM_001349901.1, NM_001349900.2); c.788+4A>C (NM_152841.2).
Identifiers: ClinVar variation 1929920 (VCV001929920.5), dbSNP rs1376120681, ClinGen allele CA638782019.